The following is an entry in ClinVar:

NM_014476.6(PDLIM3):c.-33C>T

Gene: PDLIM3 (PDZ and LIM domain 3; minus strand). Cytogenetic location: 4q35.1.
Variant type: single nucleotide variant.
Coding change: c.-33C>T on transcript NM_014476.6 (MANE Select); 33 bases upstream of the start codon, C replaced by T.
Molecular consequence: 5 prime UTR variant. On other transcripts: non-coding transcript variant (1).
Genome position (GRCh38, 1-based): chr4:185,535,467, G>A on the plus strand (C>T on the coding strand, the complement: PDLIM3 is on the minus strand). VCF-style: chr4-185535467-G-A. GRCh37 (hg19) VCF-style: chr4-186456621-G-A.
Other names: c.-33C>T (NM_001114107.5, NM_001257962.2, NM_001257963.2).
Identifiers: ClinVar variation 380754 (VCV000380754.1), dbSNP rs371273675, ClinGen allele CA3159944.

ClinVar aggregate classification (germline): Likely benign (1 of 4 stars; one submission).

Allele frequency attached by ClinVar (database versions not stated): gnomAD 0.00003 and 0.00009; TOPMed 0.00009 and 0.00010; ExAC below 0.00001; ESP Exome Variant Server 0.00016; gnomAD exomes 0.00001.
gnomAD v4.1: 25 of 1,536,830 alleles (0.0016%); highest among the groups gnomAD compares: African/African-American, 0.028%; no homozygotes.

Submission:

GeneDx
Classification: Likely benign. Last evaluated: 2015-10-23. Review status: criteria provided, single submitter. Criteria: GeneDx Variant Classification (06012015). Collection method: clinical testing. Allele origin: germline. Affected: yes.
Comment: This variant is considered likely benign or benign based on one or more of the following criteria: it is a conservative change, it occurs at a poorly conserved position in the protein, it is predicted to be benign by multiple in silico algorithms, and/or has population frequency not consistent with disease.